The following is an entry in ClinVar:

ClinVar aggregate classification (germline): Uncertain significance (1 of 4 stars; one submission).

Submission:

GeneDx
Classification: Uncertain significance. Last evaluated: 2024-10-30. Review status: criteria provided, single submitter. Criteria: GeneDx Variant Classification Process June 2021. Collection method: clinical testing. Allele origin: germline. Affected: yes.
Comment: In silico analysis indicates that this missense variant does not alter protein structure/function; Has not been previously published as pathogenic or benign to our knowledge

NM_018668.5(VPS33B):c.1766G>A (p.Arg589Lys)

Gene: VPS33B (VPS33B late endosome and lysosome associated; minus strand). Cytogenetic location: 15q26.1.
Variant type: single nucleotide variant.
Coding change: c.1766G>A on transcript NM_018668.5 (MANE Select); coding-DNA position 1766, G replaced by A.
Protein change: p.Arg589Lys; replaces arginine 589 with lysine.
Molecular consequence: missense variant.
Genome position (GRCh38, 1-based): chr15:90,999,685, C>T on the plus strand (G>A on the coding strand, the complement: VPS33B is on the minus strand). VCF-style: chr15-90999685-C-T. GRCh37 (hg19) VCF-style: chr15-91542915-C-T.
Other names: c.1685G>A, p.Arg562Lys (NM_001289148.1); c.1493G>A, p.Arg498Lys (NM_001289149.1); short protein forms R498K, R562K, R589K.
Identifiers: ClinVar variation 3897282 (VCV003897282.1).